The following is an entry in ClinVar:

ClinVar aggregate classification (germline): Uncertain significance (1 of 4 stars; one submission).

Conditions:
Aminoacylase 1 deficiency. Also called: Neurological conditions associated with aminoacylase 1 deficiency. Identifiers: Orphanet 137754, MedGen C1835922, MONDO:0012368, OMIM 609924.

Submission:

Juno Genomics, Hangzhou Juno Genomics, Inc
Classification: Uncertain significance for Aminoacylase 1 deficiency. Review status: criteria provided, single submitter. Criteria: ACMG Guidelines, 2015. Collection method: clinical testing. Allele origin: germline. Affected: yes.
Comment: Absent from controls (or at extremely low frequency if recessive) in Genome Aggregation Database, Exome Sequencing Project, 1000 Genomes Project, or Exome Aggregation Consortium.;Null variant in a gene where loss of function (LOF) is a known mechanism of disease.

NM_000666.3(ACY1):c.583+1G>A

Genes: ABHD14A-ACY1 (ABHD14A-ACY1 readthrough; plus strand), ACY1 (aminoacylase 1; plus strand). Cytogenetic location: 3p21.2.
Variant type: single nucleotide variant.
Coding change: c.583+1G>A on transcript NM_000666.3 (MANE Select); the canonical splice donor site of the intron after coding-DNA position 583, G replaced by A.
Molecular consequence: splice donor variant.
Genome position (GRCh38, 1-based): chr3:51,986,662, G>A. VCF-style: chr3-51986662-G-A. GRCh37 (hg19) VCF-style: chr3-52020678-G-A.
Other names: c.853+1G>A (NM_001316331.2); c.583+1G>A (NM_001198897.2, NM_001198895.2); c.367+1G>A (NM_001198896.2); c.478+1G>A (NM_001198898.2).
Identifiers: ClinVar variation 3382087 (VCV003382087.2).